The following is an entry in ClinVar:

NC_000023.11:g.109733429C>T

Genes: ACSL4 (acyl-CoA synthetase long chain family member 4; minus strand), LOC105373311 (uncharacterized LOC105373311; plus strand), LOC130068549 (ATAC-STARR-seq lymphoblastoid silent region 20936; plus strand). Cytogenetic location: Xq23.
Variant type: single nucleotide variant.
Molecular consequence: non-coding transcript variant (on NR_158569.1).
Genome position: GRCh38 VCF-style: chrX-109733429-C-T. GRCh37 (hg19) VCF-style: chrX-108976658-C-T.
Identifiers: ClinVar variation 2661187 (VCV002661187.24), dbSNP rs996424126, ClinGen allele CA334290761.
Genomic context (GRCh38, chrX:109,733,429, plus strand): 5'-GTGTGGCAGAGCCAGCCGAATCGCTGGCTGCAGACGGCTCGGCCCACCCACGCGCCCGCC[C>T]CCGCTCGCCCGGGACGTCAGTCGAAAAGGCGGAGCCGAACGGGCTTCCCGGGGCGCGGGA-3'

ClinVar aggregate classification (germline): Likely benign (1 of 4 stars; one submission).

Allele frequency attached by ClinVar (database versions not stated): TOPMed 0.00007; gnomAD 0.00019; 1000 Genomes Project 30x 0.00021; gnomAD exomes 0.00045.

Submission:

CeGaT Center for Human Genetics Tuebingen
Classification: Likely benign. Last evaluated: 2022-11-01. Review status: criteria provided, single submitter. Criteria: CeGaT Center For Human Genetics Tuebingen Variant Classification Criteria Version 2. Collection method: clinical testing. Allele origin: germline. Affected: yes. Observed: 1 variant allele.
Comment: ACSL4: BS2